The following is an entry in ClinVar:

ClinVar aggregate classification (germline): Uncertain significance (0 of 4 stars; one submission).

Allele frequency attached by ClinVar (database versions not stated): gnomAD exomes 0.00004; gnomAD 0.00009 and 0.00010; ESP Exome Variant Server 0.00015.
gnomAD v4.1: 77 of 1,614,172 alleles (0.0048%); highest among the groups gnomAD compares: Admixed American, 0.05%; no homozygotes.

Submission:

Department of Pathology and Laboratory Medicine, Sinai Health System
Classification: Uncertain significance. Review status: no assertion criteria provided. Collection method: clinical testing. Allele origin: unknown. Affected: yes. Study: The Canadian Open Genetics Repository (COGR).
Comment: The UBIAD1 p.Ala227Ser variant was not identified in the literature nor was it identified in ClinVar and Cosmic, however the variant was identified in dbSNP (ID: rs368780769) and in LOVD 3.0. The variant was identified in control databases in 3 of 30940 chromosomes at a frequency of 0.000097 (Genome Aggregation Database Feb 27, 2017). The variant was observed in the following populations: European (non-finnish) in 1 of 14984 chromosomes (freq: 0.000067), Latino in 2 of 838 chromosomes (freq: 0.002387), and Total in 3 of 30940 chromosomes (freq: 0.000097) while the variant was not observed in the African, Ashkenazi Jewish, East Asian, European (finnish), Other, populations. The variant occurs outside of the splicing consensus sequence and 2 of 4 in silico or computational prediction software programs predict a greater than 10% difference in splicing. At the site of variation, SpliceSiteFinder-like predicts loss of a 5â€šÃ„Ã´ splice site and NNSplice predicts a reduction in strength of a 3â€šÃ„Ã´ splice site at c.671. The p.Ala227 residue is conserved in mammals and computational analyses (PolyPhen-2, SIFT, AlignGVGD, BLOSUM, MutationTaster) provide inconsistent predictions regarding the impact to the protein; this information is not very predictive of pathogenicity. In summary, based on the above information the clinical significance of this variant cannot be determined with certainty at this time. This variant is classified as a variant of uncertain significance.

NM_013319.3(UBIAD1):c.679G>T (p.Ala227Ser)

Gene: UBIAD1 (UbiA prenyltransferase domain containing 1; plus strand). Cytogenetic location: 1p36.22.
Variant type: single nucleotide variant.
Coding change: c.679G>T on transcript NM_013319.3 (MANE Select); coding-DNA position 679, G replaced by T.
Protein change: p.Ala227Ser; replaces alanine 227 with serine.
Molecular consequence: missense variant. On other transcripts: intron variant (2).
Genome position (GRCh38, 1-based): chr1:11,285,793, G>T. VCF-style: chr1-11285793-G-T. GRCh37 (hg19) VCF-style: chr1-11345850-G-T.
Other names: c.618+61G>T (NM_001330349.2); c.530-9080G>T (NM_001330350.2); short protein forms A227S.
Identifiers: ClinVar variation 1049477 (VCV001049477.1), dbSNP rs368780769, ClinGen allele CA591202.